The following is an entry in ClinVar:

NM_006648.4(WNK2):c.1051G>A (p.Ala351Thr)

Gene: WNK2 (WNK lysine deficient protein kinase 2; plus strand). Cytogenetic location: 9q22.31.
Variant type: single nucleotide variant.
Coding change: c.1051G>A on transcript NM_006648.4 (MANE Select); coding-DNA position 1051, G replaced by A.
Protein change: p.Ala351Thr; replaces alanine 351 with threonine.
Molecular consequence: missense variant.
Genome position (GRCh38, 1-based): chr9:93,231,084, G>A. VCF-style: chr9-93231084-G-A. GRCh37 (hg19) VCF-style: chr9-95993366-G-A.
Other names: c.1051G>A, p.Ala351Thr (NM_001282394.3); short protein forms A351T.
Identifiers: ClinVar variation 3470372 (VCV003470372.1).
Genomic context (GRCh38, chr9:93,231,084, plus strand): 5'-ATCACCGGACCAACTGGGTCTGTGAAGATTGGCGACTTGGGCCTGGCCACTCTGAAAAGA[G>A]CGTCATTTGCCAAAAGTGTGATAGGTAAACCTGCTTCTCCTCCCCAGGCCCTTGGAGCCC-3'
Protein context (NP_006639.3, residues 341-361): GDLGLATLKR[Ala351Thr]SFAKSVIGTP

ClinVar aggregate classification (germline): Uncertain significance (1 of 4 stars; one submission).

gnomAD v4.1: 2 of 1,613,958 alleles (0.00012%); highest among the groups gnomAD compares: Non-Finnish European, 0.00017%; no homozygotes.

Submission:

Ambry Genetics
Classification: Uncertain significance. Last evaluated: 2024-11-24. Review status: criteria provided, single submitter. Criteria: Ambry Variant Classification Scheme 2023. Collection method: clinical testing. Allele origin: germline.
Comment: The p.A351T variant (also known as c.1051G>A), located in coding exon 3 of the WNK2 gene, results from a G to A substitution at nucleotide position 1051. The alanine at codon 351 is replaced by threonine, an amino acid with similar properties. This amino acid position is conserved. In addition, this alteration is predicted to be tolerated by in silico analysis. Based on the available evidence, the clinical significance of this variant remains unclear.